The following is an entry in ClinVar:

ClinVar aggregate classification (germline): Uncertain significance. Review status: criteria provided, multiple submitters, no conflicts (2 of 4 stars). 2 submissions from 2 submitters: Uncertain significance (2). Last evaluated 2026-03-19.

Conditions:
Colorectal cancer, hereditary nonpolyposis, type 7. Identifiers: Orphanet 144, MedGen C1858380, MONDO:0013725, OMIM 614385.

Submissions (2):

Ambry Genetics
Classification: Uncertain significance. Last evaluated: 2026-03-19. Review status: criteria provided, single submitter. Criteria: Ambry Variant Classification Scheme 2023. Collection method: clinical testing. Allele origin: germline.
Comment: The p.R593S variant (also known as c.1779A>T), located in coding exon 1 of the MLH3 gene, results from an A to T substitution at nucleotide position 1779. The arginine at codon 593 is replaced by serine, an amino acid with dissimilar properties. This amino acid position is conserved. In addition, this alteration is predicted to be tolerated by in silico analysis. Based on the available evidence, the clinical significance of this variant remains unclear.

Labcorp Genetics (formerly Invitae), Labcorp
Classification: Uncertain significance for Colorectal cancer, hereditary nonpolyposis, type 7. Last evaluated: 2016-12-27. Review status: criteria provided, single submitter. Criteria: Invitae Variant Classification Sherloc (09022015). Collection method: clinical testing. Allele origin: germline.
Comment: This sequence change replaces arginine with serine at codon 593 of the MLH3 protein (p.Arg593Ser). The arginine residue is weakly conserved and there is a moderate physicochemical difference between arginine and serine. This variant is not present in population databases (ExAC no frequency) and has not been reported in the literature in individuals with a MLH3-related disease. In summary, this variant is a novel missense change with uncertain impact on protein function. It has been classified as a Variant of Uncertain Significance. Algorithms developed to predict the effect of sequence changes on RNA splicing suggest that this variant may alter RNA splicing, but this prediction has not been confirmed by published transcriptional studies. Algorithms developed to predict the effect of missense changes on protein structure and function (SIFT, PolyPhen-2, Align-GVGD) all suggest that this variant is likely to be tolerated, but these predictions have not been confirmed by published functional studies.

NM_001040108.2(MLH3):c.1779A>T (p.Arg593Ser)

Gene: MLH3 (mutL homolog 3; minus strand). Cytogenetic location: 14q24.3.
Variant type: single nucleotide variant.
Coding change: c.1779A>T on transcript NM_001040108.2 (MANE Select); coding-DNA position 1779, A replaced by T.
Protein change: p.Arg593Ser; replaces arginine 593 with serine.
Molecular consequence: missense variant.
Genome position (GRCh38, 1-based): chr14:75,047,877, T>A on the plus strand (A>T on the coding strand, the complement: MLH3 is on the minus strand). VCF-style: chr14-75047877-T-A. GRCh37 (hg19) VCF-style: chr14-75514580-T-A.
Other names: c.1779A>T, p.Arg593Ser (NM_014381.3); short protein forms R593S.
Identifiers: ClinVar variation 410904 (VCV000410904.9), dbSNP rs1060503069, ClinGen allele CA16614140.